The following is an entry in ClinVar:

NM_181507.2(HPS5):c.109-10_109-9del

Gene: HPS5 (HPS5 biogenesis of lysosomal organelles complex 2 subunit 2; minus strand). Cytogenetic location: 11p15.1.
Variant type: Deletion.
Coding change: c.109-10_109-9del on transcript NM_181507.2 (MANE Select); 10 bases into the intron before coding-DNA position 109 through 9 bases into the intron before coding-DNA position 109, 2 bases deleted (AT; older notation c.109-10_109-9delAT).
Molecular consequence: intron variant.
Genome position (GRCh38, 1-based): chr11:18,312,033-18,312,034, AT deleted on the plus strand (AT on the coding strand, the reverse complement: HPS5 is on the minus strand). VCF-style (leftmost placement, unchanged base first): chr11-18312032-CAT-C. GRCh37 (hg19) VCF-style: chr11-18333579-CAT-C.
Other names: c.-123-583_-123-582del (NM_001440929.1, NM_001440926.1, NM_001440928.1 and 1 more transcripts); c.-234-10_-234-9del (NM_181508.2, NM_001440921.1, NM_001440925.1 and 6 more transcripts); c.109-583_109-582del (NM_001440915.1, NM_001440914.1, NM_001440913.1); c.109-10_109-9del (NM_001440931.1, NM_001440917.1, NM_001440906.1 and 6 more transcripts); c.34-10_34-9del (NM_001440907.1, NM_001440909.1, NM_001440908.1); c.34-583_34-582del (NM_001440918.1); c.109-10_109-9delAT (NM_181507.1).
Identifiers: ClinVar variation 722606 (VCV000722606.14), dbSNP rs557184781, ClinGen allele CA5910565.

ClinVar aggregate classification (germline): Benign/Likely benign. Review status: criteria provided, multiple submitters, no conflicts (2 of 4 stars). 4 submissions from 4 submitters: Benign (1); Likely benign (2). 1 of the submissions does not count toward it. Last evaluated 2026-01-19.

Conditions:
HPS5-related disorder. Also called: HPS5-related condition.

Allele frequency attached by ClinVar (database versions not stated): gnomAD exomes 0.00023 and 0.00033; ExAC 0.00036; ESP Exome Variant Server 0.00040; gnomAD 0.00072 and 0.00080; 1000 Genomes Project 0.00080; TOPMed 0.00105; 1000 Genomes Project 30x 0.00109.

Submissions (4):

Labcorp Genetics (formerly Invitae), Labcorp
Classification: Likely benign. Last evaluated: 2026-01-19. Review status: criteria provided, single submitter. Criteria: Invitae Variant Classification Sherloc (09022015). Collection method: clinical testing. Allele origin: germline.

Blueprint Genetics
Classification: Likely benign. Last evaluated: 2024-09-15. Review status: criteria provided, single submitter. Criteria: ACMG Guidelines, 2015. Collection method: clinical testing. Allele origin: germline.

Women's Health and Genetics/Laboratory Corporation of America, LabCorp
Classification: Benign. Last evaluated: 2023-06-16. Review status: criteria provided, single submitter. Criteria: LabCorp Variant Classification Summary - May 2015. Collection method: clinical testing. Allele origin: germline.
Comment: Variant summary: HPS5 c.109-10_109-9delAT alters a nucleotide located close to a canonical splice site and therefore could affect mRNA splicing, leading to a significantly altered protein sequence. 4/4 computational tools predict no significant impact on normal splicing. However, these predictions have yet to be confirmed by functional studies. The variant allele was found at a frequency of 0.00035 in 282502 control chromosomes (gnomAD), predominantly at a frequency of 0.0015 within the African or African-American subpopulation in the gnomAD database. The observed variant frequency within African or African-American control individuals in the gnomAD database is approximately 3 fold of the estimated maximal expected allele frequency for a pathogenic variant in HPS5 causing Hermansky-Pudlak Syndrome phenotype (0.00047), strongly suggesting that the variant is a benign polymorphism found primarily in populations of African or African-American origin. To our knowledge, no occurrence of c.109-10_109-9delAT in individuals affected with Hermansky-Pudlak Syndrome and no experimental evidence demonstrating its impact on protein function have been reported. One ClinVar submitter has assessed the variant since 2014: the variant was classified as likely benign. Based on the evidence outlined above, the variant was classified as benign.

PreventionGenetics, part of Exact Sciences
Classification: Likely benign for HPS5-related condition. Last evaluated: 2024-05-06. Review status: no assertion criteria provided. Collection method: clinical testing. Allele origin: germline. Not counted in ClinVar's aggregate classification.
Comment: This variant is classified as likely benign based on ACMG/AMP sequence variant interpretation guidelines (Richards et al. 2015 PMID: 25741868, with internal and published modifications).